The following is an entry in ClinVar:

NM_001166108.2(PALLD):c.603C>G (p.Asp201Glu)

Gene: PALLD (palladin, cytoskeletal associated protein; plus strand). Cytogenetic location: 4q32.3.
Variant type: single nucleotide variant.
Coding change: c.603C>G on transcript NM_001166108.2 (MANE Select); coding-DNA position 603, C replaced by G.
Protein change: p.Asp201Glu; replaces aspartic acid 201 with glutamic acid.
Molecular consequence: missense variant.
Genome position (GRCh38, 1-based): chr4:168,512,107, C>G. VCF-style: chr4-168512107-C-G. GRCh37 (hg19) VCF-style: chr4-169433258-C-G.
Other names: c.603C>G, p.Asp201Glu (NM_016081.4); short protein forms D201E.
Identifiers: ClinVar variation 2623032 (VCV002623032.2), dbSNP rs1762578113, ClinGen allele CA358726422.
Genomic context (GRCh38, chr4:168,512,107, plus strand): 5'-CATATTTAAAGCCGCAAAGCCAAGAAACAGAAGCCCAAATGGGGAGTCCTCGTCACCAGA[C>G]AGTGGGTACCTGTCTCCTAAAAATCAGCCGTCAGCCCTGCTGAGTGCCTCAGCCAGCCAG-3'
Protein context (NP_001159580.1, residues 191-211): RSPNGESSSP[Asp201Glu]SGYLSPKNQP

ClinVar aggregate classification (germline): Uncertain significance (1 of 4 stars; one submission).

Allele frequency attached by ClinVar (database versions not stated): gnomAD exomes below 0.00001.
gnomAD v4.1: 2 of 1,614,212 alleles (0.00012%); highest among the groups gnomAD compares: Non-Finnish European, 0.00017%; no homozygotes.

Submission:

Ambry Genetics
Classification: Uncertain significance. Last evaluated: 2023-09-05. Review status: criteria provided, single submitter. Criteria: Ambry Variant Classification Scheme 2023. Collection method: clinical testing. Allele origin: germline.
Comment: The p.D201E variant (also known as c.603C>G), located in coding exon 1 of the PALLD gene, results from a C to G substitution at nucleotide position 603. The aspartic acid at codon 201 is replaced by glutamic acid, an amino acid with highly similar properties. This amino acid position is conserved. In addition, this alteration is predicted to be tolerated by in silico analysis. Since supporting evidence is limited at this time, the clinical significance of this alteration remains unclear.